The following is an entry in ClinVar:

ClinVar aggregate classification (germline): Likely pathogenic (1 of 4 stars; one submission).

Conditions:
Epidermolysis bullosa dystrophica. Also called: Dystrophic epidermolysis bullosa, Hallopeau-Siemens type (formerly); Dystrophic epidermolysis bullosa. Identifiers: Orphanet 303, MedGen C0079294, MONDO:0006543.

Submission:

Natera, Inc.
Classification: Likely pathogenic for Dystrophic epidermolysis bullosa. Last evaluated: 2024-06-04. Review status: criteria provided, single submitter. Criteria: Natera Variant Classification Schema (03/2026). Collection method: clinical testing. Allele origin: germline.
Comment: The c.2157del variant in COL7A1 is a frameshift variant predicted to shift the reading frame beginning at codon 719 and leads to a stop codon 35 codons downstream. This variant is expected to result in nonsense mediated decay, truncation, or a dysfunctional protein product. This variant is rare in the general population with a frequency below the threshold expected for the associated phenotype(s). Given the available evidence, this variant is classified as Likely Pathogenic.

NM_000094.4(COL7A1):c.2157del (p.Trp719fs)

Gene: COL7A1 (collagen type VII alpha 1 chain; minus strand). Cytogenetic location: 3p21.31.
Variant type: Deletion.
Coding change: c.2157del on transcript NM_000094.4 (MANE Select); coding-DNA position 2157, one base deleted (G; older notation c.2157delG).
Protein change: p.Trp719fs; shifts the reading frame from tryptophan 719.
Molecular consequence: frameshift variant.
Genome position (GRCh38, 1-based): chr3:48,589,612, C deleted on the plus strand (G on the coding strand, the reverse complement: COL7A1 is on the minus strand); the first of 2 consecutive C bases (chr3:48,589,612-48,589,613); deleting either gives the same sequence. VCF-style (leftmost placement, unchanged base first): chr3-48589611-GC-G. GRCh37 (hg19) VCF-style: chr3-48627044-GC-G.
Other names: c.2156delG, p.Trp719Cysfs (NM_000094.3); short protein forms W719fs.
Identifiers: ClinVar variation 4817360 (VCV004817360.1).